The following is an entry in ClinVar:

ClinVar aggregate classification (germline): Uncertain significance (1 of 4 stars; one submission).

Allele frequency attached by ClinVar (database versions not stated): gnomAD exomes 0.00001 and 0.00002; TOPMed 0.00005; gnomAD 0.00007 and 0.00008.
gnomAD v4.1: 14 of 1,611,846 alleles (0.00087%); highest among the groups gnomAD compares: Admixed American, 0.022%; 1 homozygote.

Submission:

Labcorp Genetics (formerly Invitae), Labcorp
Classification: Uncertain significance. Last evaluated: 2021-06-13. Review status: criteria provided, single submitter. Criteria: Invitae Variant Classification Sherloc (09022015). Collection method: clinical testing. Allele origin: germline.
Comment: In summary, the available evidence is currently insufficient to determine the role of this variant in disease. Therefore, it has been classified as a Variant of Uncertain Significance. Nucleotide substitutions within the consensus splice site are a relatively common cause of aberrant splicing (PMID: 17576681, 9536098). Algorithms developed to predict the effect of sequence changes on RNA splicing suggest that this variant may disrupt the consensus splice site, but this prediction has not been confirmed by published transcriptional studies. This variant has not been reported in the literature in individuals with RIMS1-related conditions. This variant is not present in population databases (ExAC no frequency). This sequence change falls in intron 19 of the RIMS1 gene. It does not directly change the encoded amino acid sequence of the RIMS1 protein. It affects a nucleotide within the consensus splice site of the intron.

Literature cited by the submitters: PubMed 17576681; PubMed 9536098.

NM_014989.7(RIMS1):c.3116+3A>G

Gene: RIMS1 (regulating synaptic membrane exocytosis 1; plus strand). Cytogenetic location: 6q13.
Variant type: single nucleotide variant.
Coding change: c.3116+3A>G on transcript NM_014989.7 (MANE Select); 3 bases into the intron after coding-DNA position 3116, A replaced by G.
Molecular consequence: intron variant.
Genome position (GRCh38, 1-based): chr6:72,260,770, A>G. VCF-style: chr6-72260770-A-G. GRCh37 (hg19) VCF-style: chr6-72970473-A-G.
Other names: c.1469+3A>G (NM_001350428.2, NM_001350459.2, NM_001350424.2 and 1 more transcripts); c.1466+3A>G (NM_001350437.2, NM_001350430.2, NM_001350421.2 and 2 more transcripts); c.1538+3A>G (NM_001350458.2, NM_001350433.2, NM_001350446.2 and 10 more transcripts); c.1475+1659A>G (NM_001350457.2, NM_001350460.2, NM_001350426.2 and 2 more transcripts); c.1535+3A>G (NM_001350436.2, NM_001350434.2, NM_001350418.2 and 13 more transcripts); c.1472+1659A>G (NM_001350435.2, NM_001350447.2, NM_001350440.2 and 3 more transcripts); c.1295+3A>G (NM_001350469.2, NM_001168409.2, NM_001350466.2 and 2 more transcripts); c.1232+1659A>G (NM_001350467.2); and 5 more.
Identifiers: ClinVar variation 1447211 (VCV001447211.6), dbSNP rs1400563675, ClinGen allele CA567672237.
Genomic context (GRCh38, chr6:72,260,770, plus strand): 5'-TTCTTATGCTGCCCAGAGCAAAACGAGGACGAAGTGCAGAATGCCTACATACTACCAGGT[A>G]AATACAGGGATTTGGTAATGGTGACTGTGTGTGATGACTCTCTTTCCATTCTATTATTCT-3'